The following is an entry in ClinVar:

ClinVar aggregate classification (germline): Uncertain significance. Review status: criteria provided, multiple submitters, no conflicts (2 of 4 stars). 3 submissions from 3 submitters: Uncertain significance (3). Last evaluated 2022-09-07.

Conditions:
Inborn genetic diseases. Identifiers: MedGen C0950123, MeSH D030342.

Allele frequency attached by ClinVar (database versions not stated): gnomAD exomes 0.00001 and 0.00003; TOPMed 0.00004; gnomAD 0.00005.
gnomAD v4.1: 51 of 1,494,570 alleles (0.0034%); highest among the groups gnomAD compares: Non-Finnish European, 0.0042%; 1 homozygote.

Submissions (3):

Ambry Genetics
Classification: Uncertain significance for Inborn genetic diseases. Last evaluated: 2022-09-07. Review status: criteria provided, single submitter. Criteria: Ambry Variant Classification Scheme 2023. Collection method: clinical testing. Allele origin: germline.

Blueprint Genetics
Classification: Uncertain significance. Last evaluated: 2021-10-07. Review status: criteria provided, single submitter. Criteria: ACMG Guidelines, 2015. Collection method: clinical testing. Allele origin: germline.

Labcorp Genetics (formerly Invitae), Labcorp
Classification: Uncertain significance. Last evaluated: 2020-10-21. Review status: criteria provided, single submitter. Criteria: Invitae Variant Classification Sherloc (09022015). Collection method: clinical testing. Allele origin: germline.
Comment: This sequence change replaces leucine with serine at codon 67 of the P3H2 protein (p.Leu67Ser). The leucine residue is weakly conserved and there is a large physicochemical difference between leucine and serine. The frequency data for this variant in the population databases is considered unreliable, as metrics indicate insufficient coverage at this position in the ExAC database. In summary, the available evidence is currently insufficient to determine the role of this variant in disease. Therefore, it has been classified as a Variant of Uncertain Significance. Algorithms developed to predict the effect of missense changes on protein structure and function are either unavailable or do not agree on the potential impact of this missense change (SIFT: "Deleterious"; PolyPhen-2: "Benign"; Align-GVGD: "Class C0"). This variant has not been reported in the literature in individuals with P3H2-related conditions.

NM_018192.4(P3H2):c.200T>C (p.Leu67Ser)

Gene: P3H2 (prolyl 3-hydroxylase 2; minus strand). Cytogenetic location: 3q28.
Variant type: single nucleotide variant.
Coding change: c.200T>C on transcript NM_018192.4 (MANE Select); coding-DNA position 200, T replaced by C.
Protein change: p.Leu67Ser; replaces leucine 67 with serine.
Molecular consequence: missense variant. On other transcripts: intron variant (1).
Genome position (GRCh38, 1-based): chr3:190,120,532, A>G on the plus strand (T>C on the coding strand, the complement: P3H2 is on the minus strand). VCF-style: chr3-190120532-A-G. GRCh37 (hg19) VCF-style: chr3-189838321-A-G.
Other names: c.-64+1671T>C (NM_001134418.2); c.200T>C (NM_018192.3); short protein forms L67S.
Identifiers: ClinVar variation 1021307 (VCV001021307.8), dbSNP rs902467937, ClinGen allele CA90197227.